The following is an entry in ClinVar:

NM_000479.5(AMH):c.625G>A (p.Gly209Ser)

Gene: AMH (anti-Mullerian hormone; plus strand). Cytogenetic location: 19p13.3.
Variant type: single nucleotide variant.
Coding change: c.625G>A on transcript NM_000479.5 (MANE Select); coding-DNA position 625, G replaced by A.
Protein change: p.Gly209Ser; replaces glycine 209 with serine.
Molecular consequence: missense variant.
Genome position (GRCh38, 1-based): chr19:2,250,721, G>A. VCF-style: chr19-2250721-G-A. GRCh37 (hg19) VCF-style: chr19-2250720-G-A.
Other names: short protein forms G209S.
Identifiers: ClinVar variation 4798143 (VCV004798143.1).

ClinVar aggregate classification (germline): Uncertain significance (1 of 4 stars; one submission).

Submission:

Labcorp Genetics (formerly Invitae), Labcorp
Classification: Uncertain significance. Last evaluated: 2025-03-05. Review status: criteria provided, single submitter. Criteria: Invitae Variant Classification Sherloc (09022015). Collection method: clinical testing. Allele origin: germline.
Comment: This sequence change replaces glycine, which is neutral and non-polar, with serine, which is neutral and polar, at codon 209 of the AMH protein (p.Gly209Ser). The frequency data for this variant in the population databases is considered unreliable, as metrics indicate poor data quality at this position in the gnomAD database. This variant has not been reported in the literature in individuals affected with AMH-related conditions. An algorithm developed to predict the effect of missense changes on protein structure and function outputs the following: PolyPhen-2: "Probably Damaging". The serine amino acid residue is found in multiple mammalian species, which suggests that this missense change does not adversely affect protein function. In summary, the available evidence is currently insufficient to determine the role of this variant in disease. Therefore, it has been classified as a Variant of Uncertain Significance.